The following is an entry in ClinVar:

ClinVar aggregate classification (germline): Benign. Review status: criteria provided, single submitter (1 of 4 stars). 2 submissions from 2 submitters: Benign (1). 1 of the submissions does not count toward it. Last evaluated 2026-01-21.

Conditions:
HIVEP2-related disorder. Also called: HIVEP2-related condition.

Allele frequency attached by ClinVar (database versions not stated): gnomAD exomes 0.00043; ExAC 0.00050; 1000 Genomes Project 30x 0.00078; 1000 Genomes Project 0.00080; gnomAD 0.00144 and 0.00159; TOPMed 0.00177; ESP Exome Variant Server 0.00183.
gnomAD v4.1: 628 of 1,614,210 alleles (0.039%); highest among the groups gnomAD compares: African/African-American, 0.55%; 1 homozygote.

Submissions (3):

Labcorp Genetics (formerly Invitae), Labcorp
Classification: Benign. Last evaluated: 2026-01-21. Review status: criteria provided, single submitter. Criteria: Invitae Variant Classification Sherloc (09022015). Collection method: clinical testing. Allele origin: germline.

PreventionGenetics, part of Exact Sciences
Classification: Benign for HIVEP2-related condition. Last evaluated: 2021-08-09. Review status: no assertion criteria provided. Collection method: clinical testing. Allele origin: germline. Not counted in ClinVar's aggregate classification.
Comment: This variant is classified as benign based on ACMG/AMP sequence variant interpretation guidelines (Richards et al. 2015 PMID: 25741868, with internal and published modifications).

Dr. Peter K. Rogan Lab, Western University
No classification provided (evidence only). Condition: Acute myeloid leukemia. Review status: no classification provided. Collection method: in vitro. Allele origin: not applicable. Functional consequence: retained intron. Not counted in ClinVar's aggregate classification.

NM_006734.4(HIVEP2):c.4656G>A (p.Pro1552=)

Gene: HIVEP2 (HIVEP zinc finger 2; minus strand). Cytogenetic location: 6q24.2.
Variant type: single nucleotide variant.
Coding change: c.4656G>A on transcript NM_006734.4 (MANE Select); coding-DNA position 4656, G replaced by A.
Protein change: p.Pro1552=; no amino-acid change (proline 1552 retained).
Molecular consequence: synonymous variant.
Genome position (GRCh38, 1-based): chr6:142,770,083, C>T on the plus strand (G>A on the coding strand, the complement: HIVEP2 is on the minus strand). VCF-style: chr6-142770083-C-T. GRCh37 (hg19) VCF-style: chr6-143091220-C-T.
Identifiers: ClinVar variation 738472 (VCV000738472.13), dbSNP rs201202080, ClinGen allele CA4028030.